The following is an entry in ClinVar:

NM_024675.4(PALB2):c.2453_2455delinsCT (p.Phe818fs)

Gene: PALB2 (partner and localizer of BRCA2; minus strand). Cytogenetic location: 16p12.2.
Variant type: Indel.
Coding change: c.2453_2455delinsCT on transcript NM_024675.4 (MANE Select); coding-DNA positions 2453 to 2455, TTA replaced by CT.
Protein change: p.Phe818fs; shifts the reading frame from phenylalanine 818.
Molecular consequence: frameshift variant. On other transcripts: intron variant (1).
Genome position (GRCh38, 1-based): chr16:23,629,699-23,629,701, TAA replaced by AG on the plus strand (TTA replaced by CT on the coding strand, the reverse complement: PALB2 is on the minus strand). VCF-style: chr16-23629699-TAA-AG. GRCh37 (hg19) VCF-style: chr16-23641020-TAA-AG.
Other names: c.2393_2395delinsCT, p.Phe798fs (NM_001407296.1); c.2453_2455delinsCT, p.Phe818fs (NM_001407297.1, NM_001407298.1, NM_001407299.1 and 3 more transcripts); c.1568_1570delinsCT, p.Phe523fs (NM_001407304.1, NM_001407305.1, NM_001407306.1 and 5 more transcripts); c.665_667delinsCT, p.Phe222fs (NM_001407312.1, NM_001407313.1); c.49-426_49-424delinsCT (NM_001407314.1); short protein forms F222fs, F523fs, F798fs, F818fs.
Identifiers: ClinVar variation 2674071 (VCV002674071.1), dbSNP rs2506404802, ClinGen allele CA2695197465.

ClinVar aggregate classification (germline): Pathogenic (1 of 4 stars; one submission).

Conditions:
Familial cancer of breast. Also called: Hereditary breast cancer; BREAST CANCER, FAMILIAL; hereditary breast carcinoma. Identifiers: Orphanet 227535, MedGen C0346153, MONDO:0016419, OMIM 114480. Disease mechanism: loss of function.

Submission:

Myriad Genetics, Inc.
Classification: Pathogenic for Familial cancer of breast. Last evaluated: 2023-09-12. Review status: criteria provided, single submitter. Criteria: Myriad Autosomal Dominant, Autosomal Recessive and X-Linked Classification Criteria (2023). Collection method: clinical testing. Allele origin: unknown.
Comment: This variant is considered pathogenic. This variant creates a frameshift predicted to result in premature protein truncation.